The following is an entry in ClinVar:

ClinVar aggregate classification (germline): Likely benign (1 of 4 stars; one submission).

Conditions:
SERPIND1-related disorder. Also called: SERPIND1-related condition.

gnomAD v4.1: 11 of 1,614,148 alleles (0.00068%); highest among the groups gnomAD compares: South Asian, 0.0044%; no homozygotes.

Submission:

PreventionGenetics, part of Exact Sciences
Classification: Likely benign for SERPIND1-related condition. Last evaluated: 2026-09-11. Review status: criteria provided, single submitter. Criteria: ACMG Guidelines, 2015. Collection method: clinical testing. Allele origin: germline.
Comment: This variant is classified as likely benign based on ACMG/AMP sequence variant interpretation guidelines (Richards et al. 2015 PMID: 25741868, with internal and published modifications).

NM_000185.4(SERPIND1):c.1440C>T (p.Tyr480=)

Genes: PI4KA (phosphatidylinositol 4-kinase alpha; minus strand), SERPIND1 (serpin family D member 1; plus strand). Cytogenetic location: 22q11.21.
Variant type: single nucleotide variant.
Coding change: c.1440C>T on transcript NM_000185.4 (MANE Select); coding-DNA position 1440, C replaced by T.
Protein change: p.Tyr480=; no amino-acid change (tyrosine 480 retained).
Molecular consequence: synonymous variant. On other transcripts: intron variant (3).
Genome position (GRCh38, 1-based): chr22:20,787,006, C>T. VCF-style: chr22-20787006-C-T. GRCh37 (hg19) VCF-style: chr22-21141294-C-T.
Other names: c.2262+6187G>A (NM_001362863.2); c.2328+6187G>A (NM_001362862.2, NM_058004.4).
Identifiers: ClinVar variation 4982380 (VCV004982380.1).